The following is an entry in ClinVar:

NM_005236.3(ERCC4):c.1484C>T (p.Thr495Ile)

Gene: ERCC4 (ERCC excision repair 4, endonuclease catalytic subunit; plus strand). Cytogenetic location: 16p13.12.
Variant type: single nucleotide variant.
Coding change: c.1484C>T on transcript NM_005236.3 (MANE Select); coding-DNA position 1484, C replaced by T.
Protein change: p.Thr495Ile; replaces threonine 495 with isoleucine.
Molecular consequence: missense variant.
Genome position (GRCh38, 1-based): chr16:13,935,416, C>T. VCF-style: chr16-13935416-C-T. GRCh37 (hg19) VCF-style: chr16-14029273-C-T.
Other names: short protein forms T495I.
Identifiers: ClinVar variation 1064260 (VCV001064260.9), dbSNP rs2141607404, ClinGen allele CA394811101.
Genomic context (GRCh38, chr16:13,935,416, plus strand): 5'-AAGAACGGGCTTCTACCAAAGAAAGAACCCTCAAAAAGAAAAAACGGAAGTTGACCTTAA[C>T]TCAAATGGTAGGAAAACCTGAAGAACTGGAAGAGGAAGGAGATGTCGAGGAAGGATATCG-3'
Protein context (NP_005227.1, residues 485-505): LKKKKRKLTL[Thr495Ile]QMVGKPEELE

ClinVar aggregate classification (germline): Uncertain significance (1 of 4 stars; one submission).

Conditions:
Xeroderma pigmentosum, group F (XPF). Also called: XERODERMA PIGMENTOSUM, TYPE F; Xeroderma pigmentosum, type 6; ERCC4-Related Xeroderma Pigmentosum; XERODERMA PIGMENTOSUM VI; XP, GROUP F; XERODERMA PIGMENTOSUM, COMPLEMENTATION GROUP F. Identifiers: MedGen C0268140, MONDO:0010215, OMIM 278760.
Cockayne syndrome. Identifiers: Orphanet 191, MedGen C0009207, MONDO:0016006.
Fanconi anemia complementation group Q. Identifiers: Orphanet 84, MedGen C3808988, MONDO:0014108, OMIM 615272.

Allele frequency attached by ClinVar (database versions not stated): gnomAD exomes below 0.00001.
gnomAD v4.1: 1 of 1,613,398 alleles (0.000062%); highest among the groups gnomAD compares: African/African-American, 0.0013%; no homozygotes.

Submission:

Labcorp Genetics (formerly Invitae), Labcorp
Classification: Uncertain significance for Fanconi anemia complementation group Q; Xeroderma pigmentosum, group F; Cockayne syndrome. Last evaluated: 2023-05-15. Review status: criteria provided, single submitter. Criteria: Invitae Variant Classification Sherloc (09022015). Collection method: clinical testing. Allele origin: germline.
Comment: In summary, the available evidence is currently insufficient to determine the role of this variant in disease. Therefore, it has been classified as a Variant of Uncertain Significance. Advanced modeling of protein sequence and biophysical properties (such as structural, functional, and spatial information, amino acid conservation, physicochemical variation, residue mobility, and thermodynamic stability) performed at Invitae indicates that this missense variant is expected to disrupt ERCC4 protein function. ClinVar contains an entry for this variant (Variation ID: 1064260). This variant has not been reported in the literature in individuals affected with ERCC4-related conditions. This variant is not present in population databases (gnomAD no frequency). This sequence change replaces threonine, which is neutral and polar, with isoleucine, which is neutral and non-polar, at codon 495 of the ERCC4 protein (p.Thr495Ile).